The following is an entry in ClinVar:

NM_004985.5(KRAS):c.365C>G (p.Ser122Cys)

Gene: KRAS (KRas proto-oncogene, GTPase; minus strand). Cytogenetic location: 12p12.1.
Variant type: single nucleotide variant.
Coding change: c.365C>G on transcript NM_004985.5 (MANE Select); coding-DNA position 365, C replaced by G.
Protein change: p.Ser122Cys; replaces serine 122 with cysteine.
Molecular consequence: missense variant.
Genome position (GRCh38, 1-based): chr12:25,225,699, G>C on the plus strand (C>G on the coding strand, the complement: KRAS is on the minus strand). VCF-style: chr12-25225699-G-C. GRCh37 (hg19) VCF-style: chr12-25378633-G-C.
Other names: c.365C>G, p.Ser122Cys (NM_001369786.1, NM_001369787.1, NM_033360.4); short protein forms S122C.
Identifiers: ClinVar variation 1717054 (VCV001717054.6), dbSNP rs2141506126, ClinGen allele CA384151393.
Genomic context (GRCh38, chr12:25,225,699, plus strand): 5'-ATAAAAGGAATTCCATAACTTCTTGCTAAGTCCTGAGCCTGTTTTGTGTCTACTGTTCTA[G>C]AAGGCAAATCACATTTATTTCCTACTAGGACCATAGGTACATCTTCAGAGTCCTTAACTC-3'
Protein context (NP_004976.2, residues 112-132): VLVGNKCDLP[Ser122Cys]RTVDTKQAQD

ClinVar aggregate classification (germline): Uncertain significance. Review status: criteria provided, multiple submitters, no conflicts (2 of 4 stars). 2 submissions from 2 submitters: Uncertain significance (2). Last evaluated 2024-04-02.

Conditions:
RASopathy. Also called: Noonan spectrum disorder; rasopathies. Identifiers: Orphanet 536391, MedGen C5555857, MONDO:0021060.
Familial cancer of breast. Also called: BREAST CANCER, FAMILIAL; Hereditary breast cancer; hereditary breast carcinoma. Identifiers: Orphanet 227535, MedGen C0346153, MONDO:0016419, OMIM 114480. Disease mechanism: loss of function.
Noonan syndrome 3 (NS3). Also called: KRAS-Related Noonan Syndrome. Identifiers: Orphanet 648, MedGen C1860991, MONDO:0012371, OMIM 609942.
Autoimmune lymphoproliferative syndrome type 4. Also called: RAS-associated autoimmune leukoproliferative disorder; AUTOIMMUNE LYMPHOPROLIFERATIVE SYNDROME, TYPE IV. Identifiers: Orphanet 268114, MedGen C2674723, MONDO:0013767, OMIM 614470.
Gastric cancer. Also called: Malignant tumor of stomach; Stomach cancer. Identifiers: MedGen C0024623, MeSH D013274, MONDO:0001056, OMIM 613659, HP:0012126.
Linear nevus sebaceous syndrome. Also called: JADASSOHN NEVUS PHAKOMATOSIS; NEVUS SEBACEUS OF JADASSOHN; ORGANOID NEVUS PHAKOMATOSIS; SFM SYNDROME; SCHIMMELPENNING-FEUERSTEIN-MIMS SYNDROME, SOMATIC MOSAIC; Nevus, Sebaceous of Jadassohn. Identifiers: Orphanet 2612, MedGen C4552097, MONDO:0008097, OMIM 163200, HP:0010817.
Toriello-Lacassie-Droste syndrome. Identifiers: Orphanet 3339, MedGen C1838329, MONDO:0010854, OMIM 600268.
Cerebral arteriovenous malformation (BAVM). Also called: Arteriovenous malformations of the brain; CEREBRAL ARTERIOVENOUS MALFORMATIONS. Identifiers: Orphanet 46724, MedGen C0917804, MONDO:0007154, OMIM 108010, HP:0002408.
Acute myeloid leukemia (AML). Also called: Leukemia, acute myeloid, somatic; Leukemia, acute myelogenous, somatic; Acute myeloid leukemia, adult; AML adult; Acute non-lymphocytic leukemia; Acute granulocytic leukemia. Identifiers: Orphanet 519, MedGen C0023467, MeSH D015470, MONDO:0018874, OMIM 601626, HP:0004808. Disease mechanism: Constitutively activated FLT3.
Cardiofaciocutaneous syndrome 2 (CFC2). Also called: KRAS-Related Cardiofaciocutaneous Syndrome. Identifiers: Orphanet 1340, MedGen C3809005, MONDO:0014112, OMIM 615278.
Familial pancreatic carcinoma. Identifiers: Orphanet 1333, MedGen C2931038, MONDO:0015278, OMIM 260350.
Malignant tumor of urinary bladder. Also called: Bladder cancer; Urinary bladder cancer; Urinary Bladder Neoplasms. Identifiers: MedGen C0005684, MONDO:0001187, OMIM 109800.
Lung cancer. Also called: Lung cancer, somatic; Malignant tumor of lung. Identifiers: MedGen C0242379, MONDO:0008903, OMIM 211980.

gnomAD v4.1: 1 of 1,613,070 alleles (0.000062%); no homozygotes.

Submissions (2):

Fulgent Genetics
Classification: Uncertain significance for Cerebral arteriovenous malformation; Malignant tumor of urinary bladder; Familial cancer of breast; Linear nevus sebaceous syndrome; Lung cancer; Familial pancreatic carcinoma; Toriello-Lacassie-Droste syndrome; Acute myeloid leukemia; Noonan syndrome 3; Gastric cancer; Autoimmune lymphoproliferative syndrome type 4; Cardiofaciocutaneous syndrome 2. Last evaluated: 2024-04-02. Review status: criteria provided, single submitter. Criteria: ACMG Guidelines, 2015. Collection method: clinical testing. Allele origin: germline.

Labcorp Genetics (formerly Invitae), Labcorp
Classification: Uncertain significance for RASopathy. Last evaluated: 2022-08-20. Review status: criteria provided, single submitter. Criteria: Invitae Variant Classification Sherloc (09022015). Collection method: clinical testing. Allele origin: germline.
Comment: In summary, the available evidence is currently insufficient to determine the role of this variant in disease. Therefore, it has been classified as a Variant of Uncertain Significance. Algorithms developed to predict the effect of missense changes on protein structure and function are either unavailable or do not agree on the potential impact of this missense change (SIFT: "Deleterious"; PolyPhen-2: "Benign"; Align-GVGD: "Class C65"). This variant has not been reported in the literature in individuals affected with KRAS-related conditions. This variant is not present in population databases (gnomAD no frequency). This sequence change replaces serine, which is neutral and polar, with cysteine, which is neutral and slightly polar, at codon 122 of the KRAS protein (p.Ser122Cys).